The following is an entry in ClinVar:

ClinVar aggregate classification (germline): Benign/Likely benign. Review status: criteria provided, multiple submitters, no conflicts (2 of 4 stars). 4 submissions from 4 submitters: Benign (2); Likely benign (2). Last evaluated 2026-07-01.

Allele frequency attached by ClinVar (database versions not stated): 1000 Genomes Project 30x 0.00203; 1000 Genomes Project 0.00240; TOPMed 0.00417; gnomAD 0.00442 and 0.00452; ESP Exome Variant Server 0.00521; gnomAD exomes 0.00540 and 0.00693; ExAC 0.00564.
gnomAD v4.1: 10,787 of 1,613,934 alleles (0.67%); highest among the groups gnomAD compares: Non-Finnish European, 0.81%; 51 homozygotes.

Submissions (4):

CeGaT Center for Human Genetics Tuebingen
Classification: Likely benign. Last evaluated: 2026-07-01. Review status: criteria provided, single submitter. Criteria: CeGaT Center For Human Genetics Tuebingen Variant Classification Criteria Version 2. Collection method: clinical testing. Allele origin: germline. Affected: yes. Observed: 23 variant alleles.
Comment: SPEG: BP4, BP7, BS2

Labcorp Genetics (formerly Invitae), Labcorp
Classification: Benign. Last evaluated: 2026-02-02. Review status: criteria provided, single submitter. Criteria: Invitae Variant Classification Sherloc (09022015). Collection method: clinical testing. Allele origin: germline.

Blueprint Genetics
Classification: Likely benign. Last evaluated: 2024-11-20. Review status: criteria provided, single submitter. Criteria: ACMG Guidelines, 2015. Collection method: clinical testing. Allele origin: germline.

Mayo Clinic Laboratories, Mayo Clinic
Classification: Benign. Last evaluated: 2018-01-12. Review status: criteria provided, single submitter. Criteria: ACMG Guidelines, 2015. Collection method: clinical testing. Allele origin: germline. Observed: 5 variant alleles.

NM_005876.5(SPEG):c.3363G>A (p.Leu1121=)

Gene: SPEG (striated muscle enriched protein kinase; plus strand). Cytogenetic location: 2q35.
Variant type: single nucleotide variant.
Coding change: c.3363G>A on transcript NM_005876.5 (MANE Select); coding-DNA position 3363, G replaced by A.
Protein change: p.Leu1121=; no amino-acid change (leucine 1121 retained).
Molecular consequence: synonymous variant.
Genome position (GRCh38, 1-based): chr2:219,468,920, G>A. VCF-style: chr2-219468920-G-A. GRCh37 (hg19) VCF-style: chr2-220333642-G-A.
Other names: p.Leu1121=.
Identifiers: ClinVar variation 713679 (VCV000713679.45), dbSNP rs148131894, ClinGen allele CA2126151.